The following is an entry in ClinVar:

ClinVar aggregate classification (germline): Uncertain significance (1 of 4 stars; one submission).

Conditions:
Hereditary cancer-predisposing syndrome. Also called: Hereditary Cancer Syndrome; Neoplastic Syndromes, Hereditary; Tumor predisposition; Hereditary neoplastic syndrome. Identifiers: Orphanet 140162, MedGen C0027672, MeSH D009386, MONDO:0015356.

Submission:

Ambry Genetics
Classification: Uncertain significance for Hereditary cancer-predisposing syndrome. Last evaluated: 2025-01-29. Review status: criteria provided, single submitter. Criteria: Ambry Variant Classification Scheme 2023. Collection method: clinical testing. Allele origin: germline.
Comment: The p.A1699G variant (also known as c.5096C>G), located in coding exon 33 of the ATM gene, results from a C to G substitution at nucleotide position 5096. The alanine at codon 1699 is replaced by glycine, an amino acid with similar properties. This amino acid position is well conserved in available vertebrate species. In addition, this alteration is predicted to be tolerated by in silico analysis. Based on the available evidence, the clinical significance of this variant remains unclear.

NM_000051.4(ATM):c.5096C>G (p.Ala1699Gly)

Gene: ATM (ATM serine/threonine kinase; plus strand). Cytogenetic location: 11q22.3.
Variant type: single nucleotide variant.
Coding change: c.5096C>G on transcript NM_000051.4 (MANE Select); coding-DNA position 5096, C replaced by G.
Protein change: p.Ala1699Gly; replaces alanine 1699 with glycine.
Molecular consequence: missense variant.
Genome position (GRCh38, 1-based): chr11:108,299,804, C>G. VCF-style: chr11-108299804-C-G. GRCh37 (hg19) VCF-style: chr11-108170531-C-G.
Other names: c.5096C>G, p.Ala1699Gly (NM_001351834.2); short protein forms A1699G.
Identifiers: ClinVar variation 1745297 (VCV001745297.3), dbSNP rs992234584, ClinGen allele CA382540710.